The following is an entry in ClinVar:

NM_000051.4(ATM):c.172G>A (p.Asp58Asn)

Gene: ATM (ATM serine/threonine kinase; plus strand). Cytogenetic location: 11q22.3.
Variant type: single nucleotide variant.
Coding change: c.172G>A on transcript NM_000051.4 (MANE Select); coding-DNA position 172, G replaced by A.
Protein change: p.Asp58Asn; replaces aspartic acid 58 with asparagine.
Molecular consequence: missense variant.
Genome position (GRCh38, 1-based): chr11:108,227,875, G>A. VCF-style: chr11-108227875-G-A. GRCh37 (hg19) VCF-style: chr11-108098602-G-A.
Other names: c.172G>A, p.Asp58Asn (NM_001351834.2, NM_001351835.2, NM_001351836.2); short protein forms D58N.
Identifiers: ClinVar variation 1351284 (VCV001351284.11), dbSNP rs876660661, ClinGen allele CA382520523.

ClinVar aggregate classification (germline): Uncertain significance. Review status: criteria provided, multiple submitters, no conflicts (2 of 4 stars). 3 submissions from 3 submitters: Uncertain significance (3). Last evaluated 2025-07-21.

Conditions:
Familial cancer of breast. Also called: BREAST CANCER, FAMILIAL; hereditary breast carcinoma; Hereditary breast cancer. Identifiers: Orphanet 227535, MedGen C0346153, MONDO:0016419, OMIM 114480. Disease mechanism: loss of function.
Ataxia-telangiectasia syndrome (AT). Also called: Ataxia-telangiectasia, complementation group D; ATAXIA-TELANGIECTASIA, COMPLEMENTATION GROUP A; ATAXIA-TELANGIECTASIA, FRESNO VARIANT; Ataxia-telangiectasia, complementation group E; Cerebello-oculocutaneous telangiectasia; Immunodeficiency with ataxia telangiectasia. Identifiers: Orphanet 100, MedGen C0004135, MONDO:0008840, OMIM 208900.
Hereditary cancer-predisposing syndrome. Also called: Hereditary Cancer Syndrome; Neoplastic Syndromes, Hereditary; Tumor predisposition; Hereditary neoplastic syndrome. Identifiers: Orphanet 140162, MedGen C0027672, MeSH D009386, MONDO:0015356.

Submissions (3):

Labcorp Genetics (formerly Invitae), Labcorp
Classification: Uncertain significance for Ataxia-telangiectasia syndrome. Last evaluated: 2025-07-21. Review status: criteria provided, single submitter. Criteria: Invitae Variant Classification Sherloc (09022015). Collection method: clinical testing. Allele origin: germline.
Comment: This sequence change replaces aspartic acid, which is acidic and polar, with asparagine, which is neutral and polar, at codon 58 of the ATM protein (p.Asp58Asn). This variant is not present in population databases (gnomAD no frequency). This variant has not been reported in the literature in individuals affected with ATM-related conditions. ClinVar contains an entry for this variant (Variation ID: 1351284). Invitae Evidence Modeling of protein sequence and biophysical properties (such as structural, functional, and spatial information, amino acid conservation, physicochemical variation, residue mobility, and thermodynamic stability) indicates that this missense variant is not expected to disrupt ATM protein function with a negative predictive value of 95%. In summary, the available evidence is currently insufficient to determine the role of this variant in disease. Therefore, it has been classified as a Variant of Uncertain Significance.

Baylor Genetics
Classification: Uncertain significance for Familial cancer of breast. Last evaluated: 2023-11-08. Review status: criteria provided, single submitter. Criteria: ACMG Guidelines, 2015. Collection method: clinical testing. Allele origin: unknown.

Ambry Genetics
Classification: Uncertain significance for Hereditary cancer-predisposing syndrome. Last evaluated: 2020-03-28. Review status: criteria provided, single submitter. Criteria: Ambry Variant Classification Scheme 2023. Collection method: clinical testing. Allele origin: germline.
Comment: The p.D58N variant (also known as c.172G>A), located in coding exon 2 of the ATM gene, results from a G to A substitution at nucleotide position 172. The aspartic acid at codon 58 is replaced by asparagine, an amino acid with highly similar properties. This amino acid position is highly conserved in available vertebrate species. In addition, this alteration is predicted to be tolerated by in silico analysis. Since supporting evidence is limited at this time, the clinical significance of this alteration remains unclear.